The following is an entry in ClinVar:

NM_000179.3(MSH6):c.1955G>T (p.Gly652Val)

Gene: MSH6 (mutS homolog 6; plus strand). Cytogenetic location: 2p16.3.
Variant type: single nucleotide variant.
Coding change: c.1955G>T on transcript NM_000179.3 (MANE Select); coding-DNA position 1955, G replaced by T.
Protein change: p.Gly652Val; replaces glycine 652 with valine.
Molecular consequence: missense variant.
Genome position (GRCh38, 1-based): chr2:47,799,938, G>T. VCF-style: chr2-47799938-G-T. GRCh37 (hg19) VCF-style: chr2-48027077-G-T.
Other names: c.1565G>T, p.Gly522Val (NM_001281492.2); c.1049G>T, p.Gly350Val (NM_001281493.2, NM_001281494.2, NM_001406811.1 and 6 more transcripts); c.2051G>T, p.Gly684Val (NM_001406795.1, NM_001406802.1); c.1955G>T, p.Gly652Val (NM_001406796.1, NM_001406798.1, NM_001406800.1 and 3 more transcripts); c.1658G>T, p.Gly553Val (NM_001406797.1, NM_001406801.1, NM_001406805.1 and 10 more transcripts); c.1430G>T, p.Gly477Val (NM_001406799.1, NM_001406806.1, NM_001406807.1); c.1877G>T, p.Gly626Val (NM_001406804.1); c.1961G>T, p.Gly654Val (NM_001406813.1); and 1 more; short protein forms G553V, G652V, G654V, G684V, G350V, G626V, G477V, G522V.
Identifiers: ClinVar variation 1783298 (VCV001783298.2), dbSNP rs1558663683, ClinGen allele CA346750576.
Genomic context (GRCh38, chr2:47,799,938, plus strand): 5'-AAACTTTGAGAACTCTCCTTGAGGAAGAATATTTTAGGGAAAAGCTAAGTGATGGCATTG[G>T]GGTGATGTTACCCCAGGTGCTTAAAGGTATGACTTCAGAGTCTGATTCCATTGGGTTGAC-3'
Protein context (NP_000170.1, residues 642-662): YFREKLSDGI[Gly652Val]VMLPQVLKGM

ClinVar aggregate classification (germline): Uncertain significance (1 of 4 stars; one submission).

Conditions:
Hereditary cancer-predisposing syndrome. Also called: Neoplastic Syndromes, Hereditary; Tumor predisposition; Hereditary Cancer Syndrome; Hereditary neoplastic syndrome. Identifiers: Orphanet 140162, MedGen C0027672, MeSH D009386, MONDO:0015356.

Submission:

Ambry Genetics
Classification: Uncertain significance for Hereditary cancer-predisposing syndrome. Last evaluated: 2017-10-07. Review status: criteria provided, single submitter. Criteria: Ambry Variant Classification Scheme 2023. Collection method: clinical testing. Allele origin: germline.
Comment: The p.G652V variant (also known as c.1955G>T), located in coding exon 4 of the MSH6 gene, results from a G to T substitution at nucleotide position 1955. The glycine at codon 652 is replaced by valine, an amino acid with dissimilar properties. This amino acid position is not well conserved in available vertebrate species. In addition, this alteration is predicted to be tolerated by in silico analysis. In addition, the CoDP in silico tool predicts this alteration to have a minor impact on molecular function, with a score of 0.108 (Terui H et al. J. Biomed. Sci. 2013 Apr;20:25). Since supporting evidence is limited at this time, the clinical significance of this alteration remains unclear.